The following is an entry in ClinVar:

ClinVar aggregate classification (germline): Uncertain significance (1 of 4 stars; one submission).

gnomAD v4.1: 10 of 1,603,470 alleles (0.00062%); highest among the groups gnomAD compares: Middle Eastern, 0.033%; 1 homozygote.

Submission:

Labcorp Genetics (formerly Invitae), Labcorp
Classification: Uncertain significance. Last evaluated: 2024-03-18. Review status: criteria provided, single submitter. Criteria: Invitae Variant Classification Sherloc (09022015). Collection method: clinical testing. Allele origin: germline.
Comment: This sequence change replaces aspartic acid, which is acidic and polar, with asparagine, which is neutral and polar, at codon 864 of the RAI1 protein (p.Asp864Asn). This variant is present in population databases (rs763216602, gnomAD 0.006%). This variant has not been reported in the literature in individuals affected with RAI1-related conditions. Advanced modeling of protein sequence and biophysical properties (such as structural, functional, and spatial information, amino acid conservation, physicochemical variation, residue mobility, and thermodynamic stability) performed at Invitae indicates that this missense variant is not expected to disrupt RAI1 protein function with a negative predictive value of 80%. In summary, the available evidence is currently insufficient to determine the role of this variant in disease. Therefore, it has been classified as a Variant of Uncertain Significance.

NM_030665.4(RAI1):c.2590G>A (p.Asp864Asn)

Gene: RAI1 (retinoic acid induced 1; plus strand). Cytogenetic location: 17p11.2.
Variant type: single nucleotide variant.
Coding change: c.2590G>A on transcript NM_030665.4 (MANE Select); coding-DNA position 2590, G replaced by A.
Protein change: p.Asp864Asn; replaces aspartic acid 864 with asparagine.
Molecular consequence: missense variant.
Genome position (GRCh38, 1-based): chr17:17,795,538, G>A. VCF-style: chr17-17795538-G-A. GRCh37 (hg19) VCF-style: chr17-17698852-G-A.
Other names: short protein forms D864N.
Identifiers: ClinVar variation 3707024 (VCV003707024.2).
Genomic context (GRCh38, chr17:17,795,538, plus strand): 5'-TGCTGTTCCACCGCCGACTTCGGGGACCTCCCACTGCTGCCACCCACCAGCAGGAAGGAG[G>A]ACCTGGAAGCTGAGGAGGAGTACTCCTCCCTATGTGAGCTCCTGGGCAGCCCCGAGCAGA-3'
Protein context (NP_109590.3, residues 854-874): PLLPPTSRKE[Asp864Asn]LEAEEEYSSL